The following is an entry in ClinVar:

ClinVar aggregate classification (germline): Uncertain significance. Review status: criteria provided, multiple submitters, no conflicts (2 of 4 stars). 3 submissions from 3 submitters: Uncertain significance (3). Last evaluated 2024-10-16.

Conditions:
Antley-Bixler syndrome with genital anomalies and disordered steroidogenesis (ABS1). Also called: POR Deficiency. Identifiers: Orphanet 63269, MedGen C3150099, MONDO:0008726, OMIM 201750.
Antley-Bixler syndrome without genital anomalies or disordered steroidogenesis (ABS2). Also called: MULTISYNOSTOTIC OSTEODYSGENESIS WITH LONG BONE FRACTURES; Antley-Bixler Syndrome, Autosomal Dominant; Trapezoidocephaly synostosis syndrome; Osteodysgenesis, multisynostotic with fractures. Identifiers: Orphanet 596008, Orphanet 83, MedGen C2936791, MONDO:0020667, OMIM 207410.
Congenital adrenal hyperplasia due to cytochrome P450 oxidoreductase deficiency. Also called: DISORDERED STEROIDOGENESIS DUE TO POR DEFICIENCY. Identifiers: Orphanet 95699, MedGen C1860042, MONDO:0013310, OMIM 613571.

Allele frequency attached by ClinVar (database versions not stated): ExAC 0.00009.
gnomAD v4.1: 77 of 1,578,936 alleles (0.0049%); highest among the groups gnomAD compares: Non-Finnish European, 0.0059%; no homozygotes.

Submissions (3):

Labcorp Genetics (formerly Invitae), Labcorp
Classification: Uncertain significance for Congenital adrenal hyperplasia due to cytochrome P450 oxidoreductase deficiency. Last evaluated: 2024-10-16. Review status: criteria provided, single submitter. Criteria: Invitae Variant Classification Sherloc (09022015). Collection method: clinical testing. Allele origin: germline.
Comment: This sequence change replaces threonine, which is neutral and polar, with methionine, which is neutral and non-polar, at codon 529 of the POR protein (p.Thr529Met). This variant is present in population databases (rs782248163, gnomAD 0.01%). This variant has not been reported in the literature in individuals affected with POR-related conditions. ClinVar contains an entry for this variant (Variation ID: 1336625). Invitae Evidence Modeling of protein sequence and biophysical properties (such as structural, functional, and spatial information, amino acid conservation, physicochemical variation, residue mobility, and thermodynamic stability) indicates that this missense variant is not expected to disrupt POR protein function with a negative predictive value of 80%. In summary, the available evidence is currently insufficient to determine the role of this variant in disease. Therefore, it has been classified as a Variant of Uncertain Significance.

Fulgent Genetics
Classification: Uncertain significance for Antley-Bixler syndrome with genital anomalies and disordered steroidogenesis; Antley-Bixler syndrome without genital anomalies or disordered steroidogenesis; Congenital adrenal hyperplasia due to cytochrome P450 oxidoreductase deficiency. Last evaluated: 2021-09-30. Review status: criteria provided, single submitter. Criteria: ACMG Guidelines, 2015. Collection method: clinical testing. Allele origin: unknown.

Genetic Services Laboratory, University of Chicago
Classification: Uncertain significance. Last evaluated: 2018-04-09. Review status: criteria provided, single submitter. Criteria: ACMG Guidelines, 2015. Collection method: clinical testing. Allele origin: germline. Affected: no.

NM_001395413.1(POR):c.1577C>T (p.Thr526Met)

Gene: POR (cytochrome p450 oxidoreductase; plus strand). Cytogenetic location: 7q11.23.
Variant type: single nucleotide variant.
Coding change: c.1577C>T on transcript NM_001395413.1 (MANE Select); coding-DNA position 1577, C replaced by T.
Protein change: p.Thr526Met; replaces threonine 526 with methionine.
Molecular consequence: missense variant.
Genome position (GRCh38, 1-based): chr7:75,985,766, C>T. VCF-style: chr7-75985766-C-T. GRCh37 (hg19) VCF-style: chr7-75615084-C-T.
Other names: c.1586C>T (NM_000941.2); c.1577C>T, p.Thr526Met (NM_001367562.3, NM_001382657.2, NM_001382658.3 and 1 more transcripts); c.1631C>T, p.Thr544Met (NM_001382655.3); c.1427C>T, p.Thr476Met (NM_001382662.3); short protein forms T476M, T526M, T544M.
Identifiers: ClinVar variation 1336625 (VCV001336625.9), dbSNP rs782248163, ClinGen allele CA4304194.